The following is an entry in ClinVar:

ClinVar aggregate classification (germline): Uncertain significance (1 of 4 stars; one submission).

Submission:

Labcorp Genetics (formerly Invitae), Labcorp
Classification: Uncertain significance. Last evaluated: 2025-10-02. Review status: criteria provided, single submitter. Criteria: Invitae Variant Classification Sherloc (09022015). Collection method: clinical testing. Allele origin: germline.
Comment: This sequence change creates a premature translational stop signal (p.Trp268*) in the AIMP2 gene. While this is not anticipated to result in nonsense mediated decay, it is expected to disrupt the last 53 amino acid(s) of the AIMP2 protein. This variant is not present in population databases (gnomAD no frequency). This variant has not been reported in the literature in individuals affected with AIMP2-related conditions. ClinVar contains an entry for this variant (Variation ID: 3655610). Experimental studies and prediction algorithms are not available or were not evaluated, and the functional significance of this variant is currently unknown. In summary, the available evidence is currently insufficient to determine the role of this variant in disease. Therefore, it has been classified as a Variant of Uncertain Significance.

NM_006303.4(AIMP2):c.804G>A (p.Trp268Ter)

Genes: AIMP2 (aminoacyl tRNA synthetase complex interacting multifunctional protein 2; plus strand), EIF2AK1 (eukaryotic translation initiation factor 2 alpha kinase 1; minus strand). Cytogenetic location: 7p22.1.
Variant type: single nucleotide variant.
Coding change: c.804G>A on transcript NM_006303.4 (MANE Select); coding-DNA position 804, G replaced by A.
Protein change: p.Trp268Ter; replaces tryptophan 268 with a stop codon.
Molecular consequence: nonsense. On other transcripts: 3 prime UTR variant (2).
Genome position (GRCh38, 1-based): chr7:6,023,532, G>A. VCF-style: chr7-6023532-G-A. GRCh37 (hg19) VCF-style: chr7-6063163-G-A.
Other names: c.*1141C>T (NM_001134335.2, NM_014413.4); c.684G>A, p.Trp228Ter (NM_001326606.2); c.597G>A, p.Trp199Ter (NM_001326607.2); c.570G>A, p.Trp190Ter (NM_001326609.2, NM_001326610.2, NM_001326611.3); c.717G>A, p.Trp239Ter (NM_001362785.2); c.672G>A, p.Trp224Ter (NM_001362787.2); short protein forms W199*, W224*, W190*, W228*, W239*, W268*.
Identifiers: ClinVar variation 3655610 (VCV003655610.2).
Genomic context (GRCh38, chr7:6,023,532, plus strand): 5'-CAGTAAAGAAAAAGCCGCTGTTTTCCGCTCCATGAACTCTGCTCTTGGGAAGAGCCCTTG[G>A]CTCGCTGGGAATGAACTCACCGTAGCAGACGTGGTGCTGTGGTCTGTACTCCAGCAGATC-3'